The following is an entry in ClinVar:

ClinVar aggregate classification (germline): Pathogenic. Review status: criteria provided, multiple submitters, no conflicts (2 of 4 stars). 2 submissions from 2 submitters: Pathogenic (2). Last evaluated 2023-10-22.

Conditions:
Glycogen storage disease IV, classic hepatic. Also called: GSD IV, CLASSIC HEPATIC. Identifiers: MedGen C1856301.
Glycogen storage disease, type IV (GSD4). Also called: AMYLOPECTINOSIS; ANDERSEN DISEASE; BRANCHER DEFICIENCY; CIRRHOSIS, FAMILIAL, WITH DEPOSITION OF ABNORMAL GLYCOGEN; GBE1 DEFICIENCY; GLYCOGEN BRANCHING ENZYME DEFICIENCY. Identifiers: Orphanet 367, MedGen C0017923, MONDO:0009292, OMIM 232500.

Submissions (2):

Labcorp Genetics (formerly Invitae), Labcorp
Classification: Pathogenic for Glycogen storage disease, type IV; Glycogen storage disease IV, classic hepatic. Last evaluated: 2023-10-22. Review status: criteria provided, single submitter. Criteria: Invitae Variant Classification Sherloc (09022015). Collection method: clinical testing. Allele origin: germline.
Comment: This sequence change creates a premature translational stop signal (p.Gly458Alafs*3) in the GBE1 gene. It is expected to result in an absent or disrupted protein product. Loss-of-function variants in GBE1 are known to be pathogenic (PMID: 15452297, 20058079). This variant is not present in population databases (gnomAD no frequency). This variant has not been reported in the literature in individuals affected with GBE1-related conditions. For these reasons, this variant has been classified as Pathogenic.

Myriad Genetics, Inc.
Classification: Pathogenic for Glycogen storage disease, type IV. Last evaluated: 2023-09-01. Review status: criteria provided, single submitter. Criteria: Myriad Autosomal Dominant, Autosomal Recessive and X-Linked Classification Criteria (2023). Collection method: clinical testing. Allele origin: unknown.
Comment: NM_000158.3(GBE1):c.1373delG(G458Afs*3) is expected to be pathogenic in the context of glycogen storage disease, GBE1-related. This variant is predicted to lead to an abnormal or absent protein product due to the creation of a premature termination codon in GBE1, a gene where loss-of-function variants are known to be pathogenic. Please note: this variant was assessed in the context of healthy population screening.

Literature cited by the submitters: PubMed 15452297 (cited by Labcorp Genetics (formerly Invitae), Labcorp); PubMed 20058079 (cited by Labcorp Genetics (formerly Invitae), Labcorp).

NM_000158.4(GBE1):c.1373del (p.Gly458fs)

Gene: GBE1 (1,4-alpha-glucan branching enzyme 1; minus strand). Cytogenetic location: 3p12.2.
Variant type: Deletion.
Coding change: c.1373del on transcript NM_000158.4 (MANE Select); coding-DNA position 1373, one base deleted (G; older notation c.1373delG).
Protein change: p.Gly458fs; shifts the reading frame from glycine 458.
Molecular consequence: frameshift variant.
Genome position (GRCh38, 1-based): chr3:81,581,238, C deleted on the plus strand (G on the coding strand, the reverse complement: GBE1 is on the minus strand); the first of 3 consecutive C bases (chr3:81,581,238-81,581,240); deleting any one gives the same sequence. VCF-style (leftmost placement, unchanged base first): chr3-81581237-GC-G. GRCh37 (hg19) VCF-style: chr3-81630388-GC-G.
Other names: short protein forms G458fs.
Identifiers: ClinVar variation 2937640 (VCV002937640.4), dbSNP rs2471727316, ClinGen allele CA2666621390.